The following is an entry in ClinVar:

NM_001378687.1(ATP2C1):c.*686G>A

Gene: ATP2C1 (ATPase secretory pathway Ca2+ transporting 1; plus strand). Cytogenetic location: 3q22.1.
Variant type: single nucleotide variant.
Coding change: c.*686G>A on transcript NM_001378687.1 (MANE Select); 686 bases downstream of the stop codon, G replaced by A.
Molecular consequence: 3 prime UTR variant. On other transcripts: intron variant (11).
Genome position (GRCh38, 1-based): chr3:131,002,036, G>A. VCF-style: chr3-131002036-G-A. GRCh37 (hg19) VCF-style: chr3-130720880-G-A.
Other names: c.*686G>A (NM_001199179.3, NM_001199181.3, NM_001199184.3 and 1 more transcripts); c.2856+692G>A (NM_001378511.1); c.2826+722G>A (NM_001199180.2); c.2739+692G>A (NM_001199182.2); c.2754+692G>A (NM_001001486.2, NM_001378512.1); c.2724+722G>A (NM_001001487.2, NM_001378513.1); c.2629+2377G>A (NM_001001485.3, NM_001199185.2); c.2706+692G>A (NM_001378514.1); and 1 more.
Identifiers: ClinVar variation 343339 (VCV000343339.6), dbSNP rs150024961, ClinGen allele CA10615323.
Genomic context (GRCh38, chr3:131,002,036, plus strand): 5'-AAATTTTTGTTTTTCTTAGTAAGTGTAAATGGTTGCTTTATTTTTATTTTAAAAAGGTAT[G>A]TCTTTGGTTTGGCAGAATTCATGCAGGGCTATCAAGTGGTGTTCTAGGGTAACAGTGTCC-3'

ClinVar aggregate classification (germline): Benign. Review status: criteria provided, multiple submitters, no conflicts (2 of 4 stars). 2 submissions from 2 submitters: Benign (2). Last evaluated 2018-01-13.

Conditions:
Familial benign pemphigus (HHD). Identifiers: Orphanet 2841, MedGen C0085106, MONDO:0008218, OMIM 169600.

Allele frequency attached by ClinVar (database versions not stated): gnomAD exomes 0.00049; 1000 Genomes Project 0.00539; 1000 Genomes Project 30x 0.00609; gnomAD 0.00717 and 0.00771; TOPMed 0.00777.
gnomAD v4.1: 1,500 of 985,386 alleles (0.15%); highest among the groups gnomAD compares: African/African-American, 2.4%; 20 homozygotes.

Submissions (2):

Illumina Laboratory Services, Illumina
Classification: Benign for Familial benign pemphigus. Last evaluated: 2018-01-13. Review status: criteria provided, single submitter. Criteria: ICSL Variant Classification Criteria 13 December 2019. Collection method: clinical testing. Allele origin: germline.
Comment: This variant was observed in the ICSL laboratory as part of a predisposition screen in an ostensibly healthy population. It had not been previously curated by ICSL or reported in the Human Gene Mutation Database (HGMD: prior to June 1st, 2018), and was therefore a candidate for classification through an automated scoring system. Utilizing variant allele frequency, disease prevalence and penetrance estimates, and inheritance mode, an automated score was calculated to assess if this variant is too frequent to cause the disease. Based on the score and internal cut-off values, a variant classified as benign is not then subjected to further curation. The score for this variant resulted in a classification of benign for this disease.

Breakthrough Genomics
Classification: Benign. Review status: criteria provided, single submitter. Criteria: ACMG Guidelines, 2015. Collection method: not provided. Allele origin: germline. Inheritance: Autosomal dominant inheritance. Affected: yes.